The following is an entry in ClinVar:

ClinVar aggregate classification (germline): Pathogenic (1 of 4 stars; one submission).

Submission:

Labcorp Genetics (formerly Invitae), Labcorp
Classification: Pathogenic. Last evaluated: 2025-03-16. Review status: criteria provided, single submitter. Criteria: Invitae Variant Classification Sherloc (09022015). Collection method: clinical testing. Allele origin: germline.
Comment: This sequence change creates a premature translational stop signal (p.Val537Alafs*36) in the COQ8A gene. While this is not anticipated to result in nonsense mediated decay, it is expected to disrupt the last 111 amino acid(s) of the COQ8A protein. This variant is present in population databases (no rsID available, gnomAD 0.02%). This variant has not been reported in the literature in individuals affected with COQ8A-related conditions. This variant disrupts a region of the COQ8A protein in which other variant(s) (p.Ser608Phe) have been determined to be pathogenic (PMID: 30968303). This suggests that this is a clinically significant region of the protein, and that variants that disrupt it are likely to be disease-causing. For these reasons, this variant has been classified as Pathogenic.

Literature cited by the submitters: PubMed 30968303.

NM_020247.5(COQ8A):c.1610_1611del (p.Val537fs)

Gene: COQ8A (coenzyme Q8A; plus strand). Cytogenetic location: 1q42.13.
Variant type: Microsatellite.
Coding change: c.1610_1611del on transcript NM_020247.5 (MANE Select); coding-DNA positions 1610 to 1611, 2 bases deleted (TG; older notation c.1610_1611delTG).
Protein change: p.Val537fs; shifts the reading frame from valine 537.
Molecular consequence: frameshift variant.
Genome position (GRCh38, 1-based): chr1:226,985,291-226,985,292, TG deleted; deleting any 2 consecutive bases within chr1:226,985,289-226,985,292 gives the same sequence; the c. name uses the placement nearest the transcript's 3' end. VCF-style (leftmost placement, unchanged base first): chr1-226985288-CTG-C. GRCh37 (hg19) VCF-style: chr1-227172989-CTG-C.
Other names: short protein forms V537fs.
Identifiers: ClinVar variation 4775633 (VCV004775633.1).